The following is an entry in ClinVar:

NM_014053.4(FLVCR1):c.105C>T (p.Ser35=)

Genes: FLVCR1 (FLVCR choline and heme transporter 1; plus strand), LOC129932486 (ATAC-STARR-seq lymphoblastoid silent region 1807; plus strand). Cytogenetic location: 1q32.3.
Variant type: single nucleotide variant.
Coding change: c.105C>T on transcript NM_014053.4 (MANE Select); coding-DNA position 105, C replaced by T.
Protein change: p.Ser35=; no amino-acid change (serine 35 retained).
Molecular consequence: synonymous variant.
Genome position (GRCh38, 1-based): chr1:212,858,557, C>T. VCF-style: chr1-212858557-C-T. GRCh37 (hg19) VCF-style: chr1-213031899-C-T.
Other names: c.105C>T (NM_014053.3).
Identifiers: ClinVar variation 1630783 (VCV001630783.10), dbSNP rs559268808, ClinGen allele CA1385835.

ClinVar aggregate classification (germline): Likely benign. Review status: criteria provided, multiple submitters, no conflicts (2 of 4 stars). 3 submissions from 3 submitters: Likely benign (3). Last evaluated 2025-07-24.

Conditions:
FLVCR1-related disorder. Also called: FLVCR1-related condition.

Allele frequency attached by ClinVar (database versions not stated): gnomAD 0.00001 and 0.00003; TOPMed 0.00001; gnomAD exomes 0.00002 and 0.00006; 1000 Genomes Project 30x 0.00062; 1000 Genomes Project 0.00080.
gnomAD v4.1: 38 of 1,477,510 alleles (0.0026%); highest among the groups gnomAD compares: South Asian, 0.045%; no homozygotes.

Submissions (3):

PreventionGenetics, part of Exact Sciences
Classification: Likely benign for FLVCR1-related condition. Last evaluated: 2025-07-24. Review status: criteria provided, single submitter. Criteria: ACMG Guidelines, 2015. Collection method: clinical testing. Allele origin: germline.
Comment: This variant is classified as likely benign based on ACMG/AMP sequence variant interpretation guidelines (Richards et al. 2015 PMID: 25741868, with internal and published modifications).

Labcorp Genetics (formerly Invitae), Labcorp
Classification: Likely benign. Last evaluated: 2025-05-07. Review status: criteria provided, single submitter. Criteria: Invitae Variant Classification Sherloc (09022015). Collection method: clinical testing. Allele origin: germline.

Blueprint Genetics
Classification: Likely benign. Last evaluated: 2023-01-26. Review status: criteria provided, single submitter. Criteria: ACMG Guidelines, 2015. Collection method: clinical testing. Allele origin: germline.